The following is an entry in ClinVar:

ClinVar aggregate classification (germline): Uncertain significance. Review status: criteria provided, multiple submitters, no conflicts (2 of 4 stars). 2 submissions from 2 submitters: Uncertain significance (2). Last evaluated 2024-11-26.

Conditions:
Cardiovascular phenotype. Identifiers: MedGen CN230736.

Allele frequency attached by ClinVar (database versions not stated): gnomAD exomes 0.00001.

Submissions (2):

Blueprint Genetics
Classification: Uncertain significance. Last evaluated: 2024-11-26. Review status: criteria provided, single submitter. Criteria: ACMG Guidelines, 2015. Collection method: clinical testing. Allele origin: germline.

Ambry Genetics
Classification: Uncertain significance for Cardiovascular phenotype. Last evaluated: 2024-01-02. Review status: criteria provided, single submitter. Criteria: Ambry Variant Classification Scheme 2023. Collection method: clinical testing. Allele origin: germline.
Comment: The p.P239A variant (also known as c.715C>G), located in coding exon 5 of the TBX1 gene, results from a C to G substitution at nucleotide position 715. The proline at codon 239 is replaced by alanine, an amino acid with highly similar properties. This amino acid position is conserved. In addition, this alteration is predicted to be deleterious by in silico analysis. Since supporting evidence is limited at this time, the clinical significance of this alteration remains unclear.

NM_001379200.1(TBX1):c.742C>G (p.Pro248Ala)

Gene: TBX1 (T-box transcription factor 1; plus strand). Cytogenetic location: 22q11.21.
Variant type: single nucleotide variant.
Coding change: c.742C>G on transcript NM_001379200.1 (MANE Select); coding-DNA position 742, C replaced by G.
Protein change: p.Pro248Ala; replaces proline 248 with alanine.
Molecular consequence: missense variant.
Genome position (GRCh38, 1-based): chr22:19,764,988, C>G. VCF-style: chr22-19764988-C-G. GRCh37 (hg19) VCF-style: chr22-19752511-C-G.
Other names: c.715C>G, p.Pro239Ala (NM_005992.1, NM_080646.2, NM_080647.1); short protein forms P239A, P248A.
Identifiers: ClinVar variation 3228971 (VCV003228971.2), dbSNP rs2517851946, ClinGen allele CA410683281.